The following is an entry in ClinVar:

ClinVar aggregate classification (germline): Likely benign (1 of 4 stars; one submission).

gnomAD v4.1: 1 of 1,614,202 alleles (0.000062%); highest among the groups gnomAD compares: Non-Finnish European, 0.000085%; no homozygotes.

Submission:

CeGaT Center for Human Genetics Tuebingen
Classification: Likely benign. Last evaluated: 2026-07-01. Review status: criteria provided, single submitter. Criteria: CeGaT Center For Human Genetics Tuebingen Variant Classification Criteria Version 2. Collection method: clinical testing. Allele origin: germline. Affected: yes. Observed: 1 variant allele.
Comment: TRIP11: BP4

NM_004239.4(TRIP11):c.2656A>C (p.Lys886Gln)

Gene: TRIP11 (thyroid hormone receptor interactor 11; minus strand). Cytogenetic location: 14q32.12.
Variant type: single nucleotide variant.
Coding change: c.2656A>C on transcript NM_004239.4 (MANE Select); coding-DNA position 2656, A replaced by C.
Protein change: p.Lys886Gln; replaces lysine 886 with glutamine.
Molecular consequence: missense variant.
Genome position (GRCh38, 1-based): chr14:92,005,320, T>G on the plus strand (A>C on the coding strand, the complement: TRIP11 is on the minus strand). VCF-style: chr14-92005320-T-G. GRCh37 (hg19) VCF-style: chr14-92471664-T-G.
Other names: c.2653A>C, p.Lys885Gln (NM_001321851.1); short protein forms K885Q, K886Q.
Identifiers: ClinVar variation 5040505 (VCV005040505.1).
Genomic context (GRCh38, chr14:92,005,320, plus strand): 5'-CCTTGATCGTGTTCAGTTGAGATACCTCAGATGCTAGTTCAGTAACACTATCAAGGGTTT[T>G]AGGGTCAGCCACAGGTGCGGTTCGACTCTGCTCTTCCCTGAGTCGTTCCAATTCTTCTTG-3'
Protein context (NP_004230.2, residues 876-896): QSRTAPVADP[Lys886Gln]TLDSVTELAS